The following is an entry in ClinVar:

ClinVar aggregate classification (germline): Uncertain significance (1 of 4 stars; one submission).

Conditions:
Stormorken syndrome (STRMK). Also called: THROMBOCYTOPATHY, ASPLENIA, AND MIOSIS. Identifiers: Orphanet 3204, MedGen C1861451, MONDO:0008497, OMIM 185070.
Myopathy with tubular aggregates (TAM). Also called: Tubular Aggregate Myopathy. Identifiers: Orphanet 2593, MedGen C0410207, MONDO:0008051.
Combined immunodeficiency due to STIM1 deficiency. Also called: IMMUNODEFICIENCY 10; STIM1 DEFICIENCY. Identifiers: Orphanet 169090, Orphanet 317430, MedGen C2748557, MONDO:0013008, OMIM 612783.

Submission:

Labcorp Genetics (formerly Invitae), Labcorp
Classification: Uncertain significance for Myopathy with tubular aggregates; Combined immunodeficiency due to STIM1 deficiency; Stormorken syndrome. Last evaluated: 2022-03-03. Review status: criteria provided, single submitter. Criteria: Invitae Variant Classification Sherloc (09022015). Collection method: clinical testing. Allele origin: germline.
Comment: This variant results in a copy number gain of the genomic region encompassing exon(s) 1 of the STIM1 gene. This region includes the initiator codon of the gene. This copy number gain extends beyond the assayed region for this gene and therefore may encompass additional genes. As the precise location of this event is unknown, it may be in tandem or it may be located elsewhere in the genome. This variant has not been reported in the literature in individuals affected with STIM1-related conditions. In summary, the available evidence is currently insufficient to determine the role of this variant in disease. Therefore, it has been classified as a Variant of Uncertain Significance.

NC_000011.9:g.(?_3877491)_(3877649_?)dup

Gene: STIM1 (stromal interaction molecule 1; plus strand). Cytogenetic location: 11p15.4.
Variant type: Duplication.
Identifiers: ClinVar variation 1492844 (VCV001492844.5).